The following is an entry in ClinVar:

ClinVar aggregate classification (germline): Pathogenic (1 of 4 stars; one submission).

Submission:

GeneDx
Classification: Pathogenic. Last evaluated: 2017-10-09. Review status: criteria provided, single submitter. Criteria: GeneDx Variant Classification (06012015). Collection method: clinical testing. Allele origin: germline. Affected: yes.
Comment: The c.3412delC variant in the KAT6A gene has not been reported previously as a pathogenic variant nor as a benign variant, to our knowledge. The c.3412delC variant causes a frameshift starting with codon Glutamic Acid 1139, changes this amino acid to a Serine residue, and creates a premature Stop codon at position 8 of the new reading frame, denoted p.Glu1139SerfsX8. This variant is predicted to cause loss of normal protein function through protein truncation. The c.3412delC variant is not observed in large population cohorts (Lek et al., 2016). We interpret c.3412delC as a pathogenic variant.

NM_006766.5(KAT6A):c.3412del (p.Glu1139fs)

Gene: KAT6A (lysine acetyltransferase 6A; minus strand). Cytogenetic location: 8p11.21.
Variant type: Deletion.
Coding change: c.3412del on transcript NM_006766.5 (MANE Select); coding-DNA position 3412, one base deleted (C; older notation c.3412delC).
Protein change: p.Glu1139fs; shifts the reading frame from glutamic acid 1139.
Molecular consequence: frameshift variant.
Genome position (GRCh38, 1-based): chr8:41,934,808, G deleted on the plus strand (C on the coding strand, the reverse complement: KAT6A is on the minus strand). VCF-style (leftmost placement, unchanged base first): chr8-41934807-AG-A. GRCh37 (hg19) VCF-style: chr8-41792325-AG-A.
Other names: short protein forms E1139fs.
Identifiers: ClinVar variation 452579 (VCV000452579.2), dbSNP rs1554680267, ClinGen allele CA658657766.
Genomic context (GRCh38, chr8:41,934,807, plus strand): 5'-CGGCTCTTGCCTTTGGGCCATCCCTTTTTCTTTTTCAAAGGTGTGGATGTATCTGGCTCA[AG>A]AGGAGAATTCTTCACATCACGTTTTCGCAAAAGAGATACTGGCTTTAAGATAGGAGTGTC-3'